The following is an entry in ClinVar:

NM_014496.5(RPS6KA6):c.2119A>G (p.Met707Val)

Gene: RPS6KA6 (ribosomal protein S6 kinase A6; minus strand). Cytogenetic location: Xq21.1.
Variant type: single nucleotide variant.
Coding change: c.2119A>G on transcript NM_014496.5 (MANE Select); coding-DNA position 2119, A replaced by G.
Protein change: p.Met707Val; replaces methionine 707 with valine.
Molecular consequence: missense variant.
Genome position (GRCh38, 1-based): chrX:84,064,396, T>C on the plus strand (A>G on the coding strand, the complement: RPS6KA6 is on the minus strand). VCF-style: chrX-84064396-T-C. GRCh37 (hg19) VCF-style: chrX-83319404-T-C.
Other names: c.2119A>G (NM_014496.4); c.2119A>G, p.Met707Val (NM_001330512.1); short protein forms M707V.
Identifiers: ClinVar variation 2660996 (VCV002660996.25), dbSNP rs145715341, ClinGen allele CA10463172.

ClinVar aggregate classification (germline): Likely benign. Review status: criteria provided, multiple submitters, no conflicts (2 of 4 stars). 2 submissions from 2 submitters: Likely benign (2). Last evaluated 2025-08-04.

Allele frequency attached by ClinVar (database versions not stated): ExAC 0.00028; gnomAD exomes 0.00035; gnomAD 0.00040; ESP Exome Variant Server 0.00047; TOPMed 0.00056; 1000 Genomes Project 30x 0.00083; 1000 Genomes Project 0.00106.
gnomAD v4.1: 420 of 1,193,229 alleles (0.035%); highest among the groups gnomAD compares: African/African-American, 0.1%; no homozygotes.

Submissions (2):

Ambry Genetics
Classification: Likely benign. Last evaluated: 2025-08-04. Review status: criteria provided, single submitter. Criteria: Ambry Variant Classification Scheme 2023. Collection method: clinical testing. Allele origin: germline.

CeGaT Center for Human Genetics Tuebingen
Classification: Likely benign. Last evaluated: 2022-10-01. Review status: criteria provided, single submitter. Criteria: CeGaT Center For Human Genetics Tuebingen Variant Classification Criteria Version 2. Collection method: clinical testing. Allele origin: germline. Affected: yes. Observed: 1 variant allele.
Comment: RPS6KA6: BP4